The following is an entry in ClinVar:

ClinVar aggregate classification (germline): Pathogenic. Review status: criteria provided, multiple submitters, no conflicts (2 of 4 stars). 3 submissions from 3 submitters: Pathogenic (3). Last evaluated 2024-01-12.

Conditions:
Familial cancer of breast. Also called: Hereditary breast cancer; BREAST CANCER, FAMILIAL; hereditary breast carcinoma. Identifiers: Orphanet 227535, MedGen C0346153, MONDO:0016419, OMIM 114480. Disease mechanism: loss of function.

Submissions (3):

Myriad Genetics, Inc.
Classification: Pathogenic for Familial cancer of breast. Last evaluated: 2024-01-12. Review status: criteria provided, single submitter. Criteria: Myriad Autosomal Dominant, Autosomal Recessive and X-Linked Classification Criteria (2023). Collection method: clinical testing. Allele origin: unknown.
Comment: This variant is considered pathogenic. This variant creates a frameshift predicted to result in premature protein truncation.

Baylor Genetics
Classification: Pathogenic for Familial cancer of breast. Last evaluated: 2023-07-04. Review status: criteria provided, single submitter. Criteria: ACMG Guidelines, 2015. Collection method: clinical testing. Allele origin: unknown.

GeneDx
Classification: Pathogenic. Last evaluated: 2016-09-08. Review status: criteria provided, single submitter. Criteria: GeneDx Variant Classification (06012015). Collection method: clinical testing. Allele origin: germline. Affected: yes.
Comment: This deletion of two nucleotides in ATM is denoted c.1126_1127delGA at the cDNA level and p.Glu376IlefsX2 (E376IfsX2) at the protein level. The normal sequence, with the bases that are deleted in braces, is AAGA[GA]ATCT. The deletion causes a frameshift which changes a Glutamic Acid to an Isoleucine at codon 376, and creates a premature stop codon at position 2 of the new reading frame. This variant is predicted to cause loss of normal protein function through either protein truncation or nonsense-mediated mRNA decay. ATM c.1126_1127delGA has not, to our knowledge, been published in the literature as pathogenic or benign. However, a similar deletion, ATM c.1121_1122delAA, that results in the same frameshift has been observed in the compound heterozygous state in a patient described to have classic ataxia-telangiectasia and cells from this patient were demonstrated to have no ATM protein expression (Nakayama 2015). We consider this variant to be pathogenic.

NM_000051.4(ATM):c.1126_1127del (p.Glu376fs)

Gene: ATM (ATM serine/threonine kinase; plus strand). Cytogenetic location: 11q22.3.
Variant type: Microsatellite.
Coding change: c.1126_1127del on transcript NM_000051.4 (MANE Select); coding-DNA positions 1126 to 1127, 2 bases deleted (GA; older notation c.1126_1127delGA).
Protein change: p.Glu376fs; shifts the reading frame from glutamic acid 376.
Molecular consequence: frameshift variant.
Genome position (GRCh38, 1-based): chr11:108,248,993-108,248,994, GA deleted; deleting any 2 consecutive bases within chr11:108,248,990-108,248,994 gives the same sequence; the c. name uses the placement nearest the transcript's 3' end. VCF-style (leftmost placement, unchanged base first): chr11-108248989-AAG-A. GRCh37 (hg19) VCF-style: chr11-108119716-AAG-A.
Other names: c.1126_1127del, p.Glu376fs (NM_001351834.2); c.1126_1127delGA (NM_000051.3); short protein forms E376fs.
Identifiers: ClinVar variation 422200 (VCV000422200.4), dbSNP rs1064795624, ClinGen allele CA16619107.
Genomic context (GRCh38, chr11:108,248,989, plus strand): 5'-ACAGGTTTTTAATGAAGATACCAGATCCTTGGAGATTTCTCAATCTTACACTACTACACA[AAG>A]AGAATCTAGTGATTACAGTGTCCCTTGCAAAAGGAAGAAAATAGAACTAGGCTGGGAAGT-3'